The following is an entry in ClinVar:

NM_000169.3(GLA):c.125T>C (p.Met42Thr)

Genes: GLA (galactosidase alpha; minus strand), RPL36A-HNRNPH2 (RPL36A-HNRNPH2 readthrough; plus strand). Cytogenetic location: Xq22.1.
Variant type: single nucleotide variant.
Coding change: c.125T>C on transcript NM_000169.3 (MANE Select); coding-DNA position 125, T replaced by C.
Protein change: p.Met42Thr; replaces methionine 42 with threonine.
Molecular consequence: missense variant. On other transcripts: non-coding transcript variant (3), intron variant (2).
Genome position (GRCh38, 1-based): chrX:101,407,779, A>G on the plus strand (T>C on the coding strand, the complement: GLA is on the minus strand). VCF-style: chrX-101407779-A-G. GRCh37 (hg19) VCF-style: chrX-100662767-A-G.
Other names: c.125T>C, p.Met42Thr (NM_001406747.1, NM_001406748.1, NM_001406749.1); c.301-4157A>G (NM_001199973.2); c.178-4157A>G (NM_001199974.2).
Identifiers: ClinVar variation 92541 (VCV000092541.21), dbSNP rs398123201, ClinGen allele CA021500.

ClinVar aggregate classification (germline): Pathogenic. Review status: criteria provided, multiple submitters, no conflicts (2 of 4 stars). 6 submissions from 6 submitters: Pathogenic (6). Last evaluated 2026-09-25.

Conditions:
Fabry disease. Also called: Ceramide trihexosidosis; Fabry's disease; HEREDITARY DYSTOPIC LIPIDOSIS; Angiokeratoma corporis diffusum; ALPHA-GALACTOSIDASE A DEFICIENCY; ANDERSON-FABRY DISEASE. Identifiers: Orphanet 324, MedGen C0002986, MONDO:0010526, OMIM 301500, HP:0001071. Disease mechanism: Fabry disease is due to inactivating mutations in the X-linked GLA gene resulting in deficiency of the enzyme Alpha Galactosidase-A., loss of function.

Submissions (6):

GeneDx
Classification: Pathogenic. Last evaluated: 2026-09-25. Review status: criteria provided, single submitter. Criteria: GeneDx Variant Classification Process June 2021. Collection method: clinical testing. Allele origin: germline.
Comment: Published functional studies found this variant is associated with significantly reduced enzyme activity (PMID: 27657681); Not observed at significant frequency in large population cohorts (gnomAD); In silico analysis supports that this missense variant has a deleterious effect on protein structure/function; This variant is associated with the following publications: (PMID: 27788225, 24386359, 12175777, 26415523, 25382311, 28728877, 27773586, 37470867, 37240859, 27657681)

Genomenon, Inc
Classification: Pathogenic for Fabry disease. Last evaluated: 2026-09-08. Review status: criteria provided, single submitter. Criteria: Genomenon Sequence Variant Interpretation Standards - Updated. Collection method: curation. Allele origin: germline. Affected: yes.
Comment: GLA p.Met42Thr (c.125T>C) is a missense variant that changes the amino acid at codon 42 from Methionine to Threonine. This variant has been observed in at least one proband with clinical features consistent with Fabry disease (PMID:33807900;37240859;28728877;31449323;39980015;37470867;29688992;35765080). At least one functional study has demonstrated a substantial alteration in protein function relative to the wild-type (PMID:32023956;26415523;27657681). This variant is located in a mutational hotspot and/or important functional domain. It is absent or not present at a significant frequency in gnomAD. In silico models predict that this variant is possibly or probably damaging. In conclusion, we classify GLA p.Met42Thr (c.125T>C) as a pathogenic variant.

Labcorp Genetics (formerly Invitae), Labcorp
Classification: Pathogenic for Fabry disease. Last evaluated: 2022-06-01. Review status: criteria provided, single submitter. Criteria: Invitae Variant Classification Sherloc (09022015). Collection method: clinical testing. Allele origin: germline.
Comment: This sequence change replaces methionine, which is neutral and non-polar, with threonine, which is neutral and polar, at codon 42 of the GLA protein (p.Met42Thr). This variant is not present in population databases (gnomAD no frequency). This missense change has been observed in individual(s) with Fabry disease (PMID: 12175777, 15776423; Invitae). ClinVar contains an entry for this variant (Variation ID: 92541). Algorithms developed to predict the effect of missense changes on protein structure and function (SIFT, PolyPhen-2, Align-GVGD) all suggest that this variant is likely to be disruptive. Experimental studies have shown that this missense change affects GLA function (PMID: 26415523). This variant disrupts the p.Met42 amino acid residue in GLA. Other variant(s) that disrupt this residue have been determined to be pathogenic (PMID: 8875188, 18205205, 19287194, 23935525). This suggests that this residue is clinically significant, and that variants that disrupt this residue are likely to be disease-causing. For these reasons, this variant has been classified as Pathogenic.

Fulgent Genetics
Classification: Pathogenic for Fabry disease. Last evaluated: 2021-10-20. Review status: criteria provided, single submitter. Criteria: ACMG Guidelines, 2015. Collection method: clinical testing. Allele origin: unknown.

Genome-Nilou Lab
Classification: Pathogenic for Fabry disease. Last evaluated: 2021-07-15. Review status: criteria provided, single submitter. Criteria: ACMG Guidelines, 2015. Collection method: clinical testing. Allele origin: germline. Affected: no.

Eurofins Ntd Llc (ga)
Classification: Pathogenic. Last evaluated: 2018-03-06. Review status: criteria provided, single submitter. Criteria: EGL ClinVar v180209 classification definitions. Collection method: clinical testing. Allele origin: germline. Observed: 6 variant alleles, 4 heterozygotes, 2 hemizygotes.

Literature cited by the submitters: PubMed 33807900 (cited by Genomenon, Inc); PubMed 37240859 (cited by Genomenon, Inc); PubMed 28728877 (cited by Genomenon, Inc); PubMed 31449323 (cited by Genomenon, Inc); PubMed 39980015 (cited by Genomenon, Inc); PubMed 37470867 (cited by Genomenon, Inc); PubMed 29688992 (cited by Genomenon, Inc); PubMed 35765080 (cited by Genomenon, Inc); PubMed 32023956 (cited by Genomenon, Inc); PubMed 26415523 (cited by Genomenon, Inc and Labcorp Genetics (formerly Invitae), Labcorp); PubMed 27657681 (cited by Genomenon, Inc); PubMed 12175777 (cited by Labcorp Genetics (formerly Invitae), Labcorp); PubMed 15776423 (cited by Labcorp Genetics (formerly Invitae), Labcorp); PubMed 8875188 (cited by Labcorp Genetics (formerly Invitae), Labcorp); PubMed 18205205 (cited by Labcorp Genetics (formerly Invitae), Labcorp); PubMed 19287194 (cited by Labcorp Genetics (formerly Invitae), Labcorp); PubMed 23935525 (cited by Labcorp Genetics (formerly Invitae), Labcorp).